The following is an entry in ClinVar:

ClinVar aggregate classification (germline): Uncertain significance. Review status: criteria provided, multiple submitters, no conflicts (2 of 4 stars). 2 submissions from 2 submitters: Uncertain significance (2). Last evaluated 2024-11-28.

Conditions:
Inborn genetic diseases. Identifiers: MedGen C0950123, MeSH D030342.

gnomAD v4.1: 25 of 1,612,412 alleles (0.0016%); highest among the groups gnomAD compares: East Asian, 0.0022%; no homozygotes.

Submissions (2):

Ambry Genetics
Classification: Uncertain significance for Inborn genetic diseases. Last evaluated: 2024-11-28. Review status: criteria provided, single submitter. Criteria: Ambry Variant Classification Scheme 2023. Collection method: clinical testing. Allele origin: germline.
Comment: The p.R920C variant (also known as c.2758C>T), located in coding exon 11 of the MECOM gene, results from a C to T substitution at nucleotide position 2758. The arginine at codon 920 is replaced by cysteine, an amino acid with highly dissimilar properties. This amino acid position is conserved. In addition, the in silico prediction for this alteration is inconclusive. Based on the available evidence, the clinical significance of this variant remains unclear.

Blueprint Genetics
Classification: Uncertain significance. Last evaluated: 2021-06-22. Review status: criteria provided, single submitter. Criteria: ACMG Guidelines, 2015. Collection method: clinical testing. Allele origin: germline.

NM_004991.4(MECOM):c.2758C>T (p.Arg920Cys)

Gene: MECOM (MDS1 and EVI1 complex locus; minus strand). Cytogenetic location: 3q26.2.
Variant type: single nucleotide variant.
Coding change: c.2758C>T on transcript NM_004991.4 (MANE Select); coding-DNA position 2758, C replaced by T.
Protein change: p.Arg920Cys; replaces arginine 920 with cysteine.
Molecular consequence: missense variant.
Genome position (GRCh38, 1-based): chr3:169,102,073, G>A on the plus strand (C>T on the coding strand, the complement: MECOM is on the minus strand). VCF-style: chr3-169102073-G-A. GRCh37 (hg19) VCF-style: chr3-168819861-G-A.
Other names: c.2389C>T, p.Arg797Cys (NM_001105077.4); c.2194C>T, p.Arg732Cys (NM_001105078.4, NM_001205194.2, NM_001366469.2 and 1 more transcripts); c.2170C>T, p.Arg724Cys (NM_001163999.2, NM_001366470.2); c.2167C>T, p.Arg723Cys (NM_001164000.2, NM_001366471.2, NM_001366472.2); c.2731C>T, p.Arg911Cys (NM_001366466.2); c.2197C>T, p.Arg733Cys (NM_001366467.2, NM_001366468.2); c.1759C>T, p.Arg587Cys (NM_001366473.2); c.1195C>T, p.Arg399Cys (NM_001366474.2); short protein forms R920C, R587C, R732C, R733C, R797C, R399C, R723C, R724C.
Identifiers: ClinVar variation 3394341 (VCV003394341.2).